The following is an entry in ClinVar:

NM_000393.5(COL5A2):c.852+14C>T

Gene: COL5A2 (collagen type V alpha 2 chain; minus strand). Cytogenetic location: 2q32.2.
Variant type: single nucleotide variant.
Coding change: c.852+14C>T on transcript NM_000393.5 (MANE Select); 14 bases into the intron after coding-DNA position 852, C replaced by T.
Molecular consequence: intron variant.
Genome position (GRCh38, 1-based): chr2:189,083,970, G>A on the plus strand (C>T on the coding strand, the complement: COL5A2 is on the minus strand). VCF-style: chr2-189083970-G-A. GRCh37 (hg19) VCF-style: chr2-189948696-G-A.
Other names: c.852+14C>T (NM_000393.4).
Identifiers: ClinVar variation 136971 (VCV000136971.20), dbSNP rs56310996, ClinGen allele CA290419.

ClinVar aggregate classification (germline): Benign/Likely benign. Review status: criteria provided, multiple submitters, no conflicts (2 of 4 stars). 9 submissions from 9 submitters: Benign (8); Likely benign (1). Last evaluated 2026-09-21.

Conditions:
Ehlers-Danlos syndrome, classic type, 2 (EDSCL2). Also called: Ehlers-Danlos Syndrome, Classic Type, COL5A2-Related; Ehlers-Danlos syndrome, type 2; Ehlers-Danlos syndrome type 2 (formerly). Identifiers: Orphanet 287, Orphanet 90318, MedGen C0268336, MONDO:0019568, OMIM 130010.
Ehlers-Danlos syndrome, classic type, 1 (EDSCL1). Also called: Ehlers-Danlos Syndrome, Classic Type, COL5A1-Related; EHLERS-DANLOS SYNDROME, GRAVIS TYPE; EHLERS-DANLOS SYNDROME, SEVERE CLASSIC TYPE; Ehlers-Danlos syndrome, type 1; EDS I. Identifiers: MedGen C0268335, MONDO:0019567, OMIM 130000.

Allele frequency attached by ClinVar (database versions not stated): TOPMed 0.13993; ESP Exome Variant Server 0.14447; ExAC 0.14458; 1000 Genomes Project 0.14018; gnomAD 0.14167 and 0.14063; gnomAD exomes 0.14325 and 0.14294; 1000 Genomes Project 30x 0.13726.
gnomAD v4.1: 228,179 of 1,594,382 alleles (14%); highest among the groups gnomAD compares: Middle Eastern, 24%; 17,145 homozygotes.

Submissions (9):

Molecular Diagnostic Laboratory for Inherited Cardiovascular Disease, Montreal Heart Institute
Classification: Benign. Last evaluated: 2026-09-21. Review status: criteria provided, single submitter. Criteria: ACMG Guidelines, 2015. Collection method: clinical testing. Allele origin: germline. Affected: no.

Labcorp Genetics (formerly Invitae), Labcorp
Classification: Benign for Ehlers-Danlos syndrome, classic type, 1. Last evaluated: 2026-02-04. Review status: criteria provided, single submitter. Criteria: Invitae Variant Classification Sherloc (09022015). Collection method: clinical testing. Allele origin: germline.

Blueprint Genetics
Classification: Benign. Last evaluated: 2024-11-26. Review status: criteria provided, single submitter. Criteria: ACMG Guidelines, 2015. Collection method: clinical testing. Allele origin: germline.

Genome-Nilou Lab
Classification: Benign for Ehlers-Danlos syndrome, classic type, 2. Last evaluated: 2021-07-30. Review status: criteria provided, single submitter. Criteria: ACMG Guidelines, 2015. Collection method: clinical testing. Allele origin: germline. Affected: no.

Illumina Laboratory Services, Illumina
Classification: Benign for Ehlers-Danlos syndrome, classic type, 2. Last evaluated: 2018-01-13. Review status: criteria provided, single submitter. Criteria: ICSL Variant Classification Criteria 13 December 2019. Collection method: clinical testing. Allele origin: germline.
Comment: This variant was observed in the ICSL laboratory as part of a predisposition screen in an ostensibly healthy population. It had not been previously curated by ICSL or reported in the Human Gene Mutation Database (HGMD: prior to June 1st, 2018), and was therefore a candidate for classification through an automated scoring system. Utilizing variant allele frequency, disease prevalence and penetrance estimates, and inheritance mode, an automated score was calculated to assess if this variant is too frequent to cause the disease. Based on the score and internal cut-off values, a variant classified as benign is not then subjected to further curation. The score for this variant resulted in a classification of benign for this disease.

Women's Health and Genetics/Laboratory Corporation of America, LabCorp
Classification: Benign. Last evaluated: 2017-03-15. Review status: criteria provided, single submitter. Criteria: LabCorp Variant Classification Summary - May 2015. Collection method: clinical testing. Allele origin: germline.
Comment: Variant summary: c.852+14C>T in COL5A2 gene is an intronic change that involves a non-conserved nucleotide. 4/5 programs in Alamut predict that this variant does not affect a normal splicing pattern, however no functional studies supporting this notion were published at the time of evaluation. The variant is present in the control population dataset of ExAC at frequency of 0.1446 (17522 /121190 chrs tested) including numerous homozygous occurrences. The observed frequencies exceed the maximum expected allele frequency for a pathogenic variant of 0.0000063 suggesting that it is a benign polymorphism. The variant of interest has been cited as Benign/Likely Benign by multiple reputable databases/clinical laboratory. Taking together, based on the prevalence of this variant in general population the variant was classified as Benign.

GeneDx
Classification: Benign. Last evaluated: 2012-11-16. Review status: criteria provided, single submitter. Criteria: GeneDx Variant Classification (06012015). Collection method: clinical testing. Allele origin: germline. Affected: yes.
Comment: This variant is considered likely benign or benign based on one or more of the following criteria: it is a conservative change, it occurs at a poorly conserved position in the protein, it is predicted to be benign by multiple in silico algorithms, and/or has population frequency not consistent with disease.

Breakthrough Genomics
Classification: Likely benign. Review status: criteria provided, single submitter. Criteria: ACMG Guidelines, 2015. Collection method: not provided. Allele origin: germline. Inheritance: Autosomal dominant inheritance. Affected: yes.

PreventionGenetics, part of Exact Sciences
Classification: Benign. Review status: criteria provided, single submitter. Criteria: ACMG Guidelines, 2015. Collection method: clinical testing. Allele origin: germline.